The following is an entry in ClinVar:

ClinVar aggregate classification (germline): Benign/Likely benign. Review status: criteria provided, multiple submitters, no conflicts (2 of 4 stars). 3 submissions from 3 submitters: Benign (1); Likely benign (2). Last evaluated 2026-06-01.

Allele frequency attached by ClinVar (database versions not stated): gnomAD 0.00012 and 0.00013; ESP Exome Variant Server 0.00015; gnomAD exomes 0.00016; ExAC 0.00017; TOPMed 0.00017.
gnomAD v4.1: 372 of 1,614,010 alleles (0.023%); highest among the groups gnomAD compares: Non-Finnish European, 0.029%; no homozygotes.

Submissions (3):

CeGaT Center for Human Genetics Tuebingen
Classification: Likely benign. Last evaluated: 2026-06-01. Review status: criteria provided, single submitter. Criteria: CeGaT Center For Human Genetics Tuebingen Variant Classification Criteria Version 2. Collection method: clinical testing. Allele origin: germline. Affected: yes. Observed: 2 variant alleles.
Comment: KLHL7: BP4, BP7

Labcorp Genetics (formerly Invitae), Labcorp
Classification: Benign. Last evaluated: 2026-01-27. Review status: criteria provided, single submitter. Criteria: Invitae Variant Classification Sherloc (09022015). Collection method: clinical testing. Allele origin: germline.

Blueprint Genetics
Classification: Likely benign. Last evaluated: 2024-10-15. Review status: criteria provided, single submitter. Criteria: ACMG Guidelines, 2015. Collection method: clinical testing. Allele origin: germline.

NM_001031710.3(KLHL7):c.1638C>T (p.Leu546=)

Gene: KLHL7 (kelch like family member 7; plus strand). Cytogenetic location: 7p15.3.
Variant type: single nucleotide variant.
Coding change: c.1638C>T on transcript NM_001031710.3 (MANE Select); coding-DNA position 1638, C replaced by T.
Protein change: p.Leu546=; no amino-acid change (leucine 546 retained).
Molecular consequence: synonymous variant. On other transcripts: non-coding transcript variant (1).
Genome position (GRCh38, 1-based): chr7:23,174,175, C>T. VCF-style: chr7-23174175-C-T. GRCh37 (hg19) VCF-style: chr7-23213794-C-T.
Other names: c.1494C>T, p.Leu498= (NM_018846.5).
Identifiers: ClinVar variation 1616894 (VCV001616894.33), dbSNP rs202172968, ClinGen allele CA4186660.